The following is an entry in ClinVar:

NM_001370298.3(FGD4):c.792A>G (p.Ile264Met)

Gene: FGD4 (FYVE, RhoGEF and PH domain containing 4; plus strand). Cytogenetic location: 12p11.21.
Variant type: single nucleotide variant.
Coding change: c.792A>G on transcript NM_001370298.3 (MANE Select); coding-DNA position 792, A replaced by G.
Protein change: p.Ile264Met; replaces isoleucine 264 with methionine.
Molecular consequence: missense variant. On other transcripts: 5 prime UTR variant (2), non-coding transcript variant (1), intron variant (1).
Genome position (GRCh38, 1-based): chr12:32,582,248, A>G. VCF-style: chr12-32582248-A-G. GRCh37 (hg19) VCF-style: chr12-32735182-A-G.
Other names: c.636A>G, p.Ile212Met (NM_001304481.2); c.-464A>G (NM_001304483.2); c.-771A>G (NM_001304484.2); c.102A>G, p.Ile34Met (NM_001330373.2, NM_001330374.2, NM_001384130.1); c.792A>G, p.Ile264Met (NM_001384126.1); c.381A>G, p.Ile127Met (NM_001384127.1, NM_001384128.1, NM_001384131.1 and 3 more transcripts); c.49-16249A>G (NM_001370297.1); short protein forms I127M, I212M, I34M, I264M.
Identifiers: ClinVar variation 245857 (VCV000245857.13), dbSNP rs774466701, ClinGen allele CA6506624.
Genomic context (GRCh38, chr12:32,582,248, plus strand): 5'-TGCCACTCTTAGCTCAGATACTTCTATTCAAGCTTCTGAACCCTTGCTTGATACGCACAT[A>G]GTGAATGGAGAAAGAGATGAAACTGCCACAGCTCCTGCATCACCCACAACAGACAGCTGT-3'
Protein context (NP_001357227.2, residues 254-274): QASEPLLDTH[Ile264Met]VNGERDETAT

ClinVar aggregate classification (germline): Uncertain significance. Review status: criteria provided, multiple submitters, no conflicts (2 of 4 stars). 5 submissions from 5 submitters: Uncertain significance (5). Last evaluated 2026-05-15.

Conditions:
FGD4-related disorder. Also called: FGD4-related condition.
Inborn genetic diseases. Identifiers: MedGen C0950123, MeSH D030342.
Charcot-Marie-Tooth disease type 4. Also called: Charcot-Marie-Tooth disease, type IV; Charcot-Marie-Tooth, Type 4. Identifiers: Orphanet 64749, MedGen C4082197, MONDO:0018995.
Charcot-Marie-Tooth disease type 4H (CMT4H). Also called: CHARCOT-MARIE-TOOTH DISEASE, AUTOSOMAL RECESSIVE, TYPE 4H; CHARCOT-MARIE-TOOTH DISEASE, DEMYELINATING, AUTOSOMAL RECESSIVE, TYPE 4H; CHARCOT-MARIE-TOOTH NEUROPATHY, TYPE 4H; CHARCOT-MARIE-TOOTH DISEASE, DEMYELINATING, TYPE 4H. Identifiers: Orphanet 99954, MedGen C1836336, MONDO:0012250, OMIM 609311.

Allele frequency attached by ClinVar (database versions not stated): TOPMed 0.00005; gnomAD 0.00006; gnomAD exomes 0.00006 and 0.00012; ExAC 0.00010.
gnomAD v4.1: 181 of 1,614,098 alleles (0.011%); highest among the groups gnomAD compares: Non-Finnish European, 0.015%; no homozygotes.

Submissions (5):

PreventionGenetics, part of Exact Sciences
Classification: Uncertain significance for FGD4-related condition. Last evaluated: 2026-05-15. Review status: criteria provided, single submitter. Criteria: ACMG Guidelines, 2015. Collection method: clinical testing. Allele origin: germline.
Comment: The FGD4 c.381A>G variant is predicted to result in the amino acid substitution p.Ile127Met. To our knowledge, this variant has not been reported in the literature. This variant is reported in 0.013% of alleles in individuals of European (non-Finnish) descent in gnomAD. At this time, the clinical significance of this variant is uncertain due to the absence of conclusive functional and genetic evidence.

GeneDx
Classification: Uncertain significance. Last evaluated: 2025-01-15. Review status: criteria provided, single submitter. Criteria: GeneDx Variant Classification Process June 2021. Collection method: clinical testing. Allele origin: germline. Affected: yes.
Comment: Not observed at significant frequency in large population cohorts (gnomAD); In silico analysis indicates that this missense variant does not alter protein structure/function; Has not been previously published as pathogenic or benign to our knowledge; This variant is associated with the following publications: (PMID: 22734899)

ARUP Laboratories, Molecular Genetics and Genomics, ARUP Laboratories
Classification: Uncertain significance for Charcot-Marie-Tooth disease type 4H. Last evaluated: 2023-02-17. Review status: criteria provided, single submitter. Criteria: ARUP Molecular Germline Variant Investigation Process 2024. Collection method: clinical testing. Allele origin: germline.
Comment: The FGD4 c.381A>G; p.Ile127Met variant (rs774466701), to our knowledge, is not reported in the medical literature but is reported in ClinVar (Variation ID: 245857). This variant is found in the general population with an overall allele frequency of 0.0064% (18/282876 alleles) in the Genome Aggregation Database. Computational analyses predict that this variant is neutral (REVEL: 0.034). Due to limited information, the clinical significance of this variant is uncertain at this time.

Labcorp Genetics (formerly Invitae), Labcorp
Classification: Uncertain significance for Charcot-Marie-Tooth disease type 4. Last evaluated: 2022-07-19. Review status: criteria provided, single submitter. Criteria: Invitae Variant Classification Sherloc (09022015). Collection method: clinical testing. Allele origin: germline.
Comment: This sequence change replaces isoleucine, which is neutral and non-polar, with methionine, which is neutral and non-polar, at codon 127 of the FGD4 protein (p.Ile127Met). This variant is present in population databases (rs774466701, gnomAD 0.01%). This variant has not been reported in the literature in individuals affected with FGD4-related conditions. ClinVar contains an entry for this variant (Variation ID: 245857). Algorithms developed to predict the effect of missense changes on protein structure and function output the following: SIFT: "Tolerated"; PolyPhen-2: "Benign"; Align-GVGD: "Class C0". The methionine amino acid residue is found in multiple mammalian species, which suggests that this missense change does not adversely affect protein function. In summary, the available evidence is currently insufficient to determine the role of this variant in disease. Therefore, it has been classified as a Variant of Uncertain Significance.

Ambry Genetics
Classification: Uncertain significance for Inborn genetic diseases. Last evaluated: 2021-07-14. Review status: criteria provided, single submitter. Criteria: Ambry Variant Classification Scheme 2023. Collection method: clinical testing. Allele origin: germline.
Comment: The p.I127M variant (also known as c.381A>G), located in coding exon 2 of the FGD4 gene, results from an A to G substitution at nucleotide position 381. The isoleucine at codon 127 is replaced by methionine, an amino acid with highly similar properties. This amino acid position is conserved. In addition, this alteration is predicted to be tolerated by in silico analysis. Since supporting evidence is limited at this time, the clinical significance of this alteration remains unclear.